The following is an entry in ClinVar:

ClinVar aggregate classification (germline): Uncertain significance (1 of 4 stars; one submission).

Allele frequency attached by ClinVar (database versions not stated): gnomAD exomes 0.00001; ExAC 0.00002; gnomAD 0.00003 and 0.00004; TOPMed 0.00004.
gnomAD v4.1: 24 of 1,611,764 alleles (0.0015%); highest among the groups gnomAD compares: African/African-American, 0.004%; no homozygotes.

Submission:

Labcorp Genetics (formerly Invitae), Labcorp
Classification: Uncertain significance. Last evaluated: 2021-05-01. Review status: criteria provided, single submitter. Criteria: Invitae Variant Classification Sherloc (09022015). Collection method: clinical testing. Allele origin: germline.
Comment: This variant is present in population databases (rs755367569, ExAC 0.003%). In summary, the available evidence is currently insufficient to determine the role of this variant in disease. Therefore, it has been classified as a Variant of Uncertain Significance. Algorithms developed to predict the effect of missense changes on protein structure and function output the following: SIFT: "Tolerated"; PolyPhen-2: "Benign"; Align-GVGD: "Class C0". The serine amino acid residue is found in multiple mammalian species, suggesting that this missense change does not adversely affect protein function. These predictions have not been confirmed by published functional studies and their clinical significance is uncertain. This variant has not been reported in the literature in individuals with ITGAM-related conditions. This sequence change replaces asparagine with serine at codon 900 of the ITGAM protein (p.Asn900Ser). The asparagine residue is moderately conserved and there is a small physicochemical difference between asparagine and serine.

NM_000632.4(ITGAM):c.2699A>G (p.Asn900Ser)

Gene: ITGAM (integrin subunit alpha M; plus strand). Cytogenetic location: 16p11.2.
Variant type: single nucleotide variant.
Coding change: c.2699A>G on transcript NM_000632.4 (MANE Select); coding-DNA position 2699, A replaced by G.
Protein change: p.Asn900Ser; replaces asparagine 900 with serine.
Molecular consequence: missense variant.
Genome position (GRCh38, 1-based): chr16:31,326,926, A>G. VCF-style: chr16-31326926-A-G. GRCh37 (hg19) VCF-style: chr16-31338247-A-G.
Other names: c.2702A>G, p.Asn901Ser (NM_001145808.2); short protein forms N900S, N901S.
Identifiers: ClinVar variation 1015761 (VCV001015761.8), dbSNP rs755367569, ClinGen allele CA8025909.